The following is an entry in ClinVar:

NM_020631.6(PLEKHG5):c.1987A>G (p.Thr663Ala)

Gene: PLEKHG5 (pleckstrin homology and RhoGEF domain containing G5; minus strand). Cytogenetic location: 1p36.31.
Variant type: single nucleotide variant.
Coding change: c.1987A>G on transcript NM_020631.6 (MANE Select); coding-DNA position 1987, A replaced by G.
Protein change: p.Thr663Ala; replaces threonine 663 with alanine.
Molecular consequence: missense variant.
Genome position (GRCh38, 1-based): chr1:6,469,397, T>C on the plus strand (A>G on the coding strand, the complement: PLEKHG5 is on the minus strand). VCF-style: chr1-6469397-T-C. GRCh37 (hg19) VCF-style: chr1-6529457-T-C.
Other names: c.2098A>G, p.Thr700Ala (NM_001042663.3, NM_001265592.2); c.1987A>G, p.Thr663Ala (NM_001042664.2, NM_001042665.2, NM_001265594.3 and 1 more transcripts); c.2194A>G, p.Thr732Ala (NM_001265593.2); short protein forms T663A, T732A, T700A.
Identifiers: ClinVar variation 618833 (VCV000618833.8), dbSNP rs1212737816, ClinGen allele CA338119763.

ClinVar aggregate classification (germline): Uncertain significance (1 of 4 stars; one submission).

Submission:

ARUP Laboratories, Molecular Genetics and Genomics, ARUP Laboratories
Classification: Uncertain significance. Last evaluated: 2017-11-09. Review status: criteria provided, single submitter. Criteria: ARUP Molecular Germline Variant Investigation Process. Collection method: clinical testing. Allele origin: germline.
Comment: The p.Thr663Ala variant has not been reported in the medical literature, and it is not listed in gene-specific variant databases. It is also absent from general population databases such as 1000 Genomes, the NHLBI GO Exome Sequencing Project (ESP), and the Genome Aggregation Database (gnomAD) browser. The threonine at codon 663 is highly conserved considering 12 species up to fruit fly (Alamut software v2.10.0), but computational analyses predict conflicting effects of this variant on protein structure/function (SIFT: tolerated, PolyPhen2: possibly damaging, MutationTaster: disease causing). Based on the available information, the clinical significance of the p.Thr663Ala variant cannot be determined with certainty.